The following is an entry in ClinVar:

NM_138927.4(SON):c.2858A>G (p.His953Arg)

Gene: SON (SON DNA and RNA binding protein; plus strand). Cytogenetic location: 21q22.11.
Variant type: single nucleotide variant.
Coding change: c.2858A>G on transcript NM_138927.4 (MANE Select); coding-DNA position 2858, A replaced by G.
Protein change: p.His953Arg; replaces histidine 953 with arginine.
Molecular consequence: missense variant. On other transcripts: non-coding transcript variant (1), intron variant (1).
Genome position (GRCh38, 1-based): chr21:33,552,089, A>G. VCF-style: chr21-33552089-A-G. GRCh37 (hg19) VCF-style: chr21-34924395-A-G.
Other names: c.2858A>G, p.His953Arg (NM_001291411.2, NM_032195.3); c.245-5067A>G (NM_001291412.3); short protein forms H953R.
Identifiers: ClinVar variation 4722017 (VCV004722017.1).
Genomic context (GRCh38, chr21:33,552,089, plus strand): 5'-ACCCCTATAGATTAGGTCATGATGCTTACAGGTTAGGACAAGACCCTTATAGATTAGGCC[A>G]TGATCCCTACAGACTAACTCCTGATCCCTATAGGATGTCACCTAGACCCTACAGGATAGC-3'
Protein context (NP_620305.3, residues 943-963): RLGQDPYRLG[His953Arg]DPYRLTPDPY

ClinVar aggregate classification (germline): Uncertain significance (1 of 4 stars; one submission).

gnomAD v4.1: 1 of 1,614,066 alleles (0.000062%); highest among the groups gnomAD compares: Non-Finnish European, 0.000085%; no homozygotes.

Submission:

Labcorp Genetics (formerly Invitae), Labcorp
Classification: Uncertain significance. Last evaluated: 2025-06-30. Review status: criteria provided, single submitter. Criteria: Invitae Variant Classification Sherloc (09022015). Collection method: clinical testing. Allele origin: germline.
Comment: This sequence change replaces histidine, which is basic and polar, with arginine, which is basic and polar, at codon 953 of the SON protein (p.His953Arg). This variant is not present in population databases (gnomAD no frequency). This variant has not been reported in the literature in individuals affected with SON-related conditions. An algorithm developed to predict the effect of missense changes on protein structure and function (PolyPhen-2) suggests that this variant is likely to be disruptive. In summary, the available evidence is currently insufficient to determine the role of this variant in disease. Therefore, it has been classified as a Variant of Uncertain Significance.